The following is an entry in ClinVar:

NM_001123385.2(BCOR):c.2639A>C (p.Lys880Thr)

Gene: BCOR (BCL6 corepressor; minus strand). Cytogenetic location: Xp11.4.
Variant type: single nucleotide variant.
Coding change: c.2639A>C on transcript NM_001123385.2 (MANE Select); coding-DNA position 2639, A replaced by C.
Protein change: p.Lys880Thr; replaces lysine 880 with threonine.
Molecular consequence: missense variant.
Genome position (GRCh38, 1-based): chrX:40,072,707, T>G on the plus strand (A>C on the coding strand, the complement: BCOR is on the minus strand). VCF-style: chrX-40072707-T-G. GRCh37 (hg19) VCF-style: chrX-39931960-T-G.
Other names: c.2639A>C, p.Lys880Thr (NM_001123383.2, NM_001123384.2, NM_001437510.1 and 4 more transcripts); short protein forms K880T.
Identifiers: ClinVar variation 4716397 (VCV004716397.1).

ClinVar aggregate classification (germline): Uncertain significance (1 of 4 stars; one submission).

Conditions:
Oculofaciocardiodental syndrome (MCOPS2). Identifiers: Orphanet 2712, MedGen C1846265, MONDO:0010261, OMIM 300166.

Submission:

Labcorp Genetics (formerly Invitae), Labcorp
Classification: Uncertain significance for Oculofaciocardiodental syndrome. Last evaluated: 2025-04-01. Review status: criteria provided, single submitter. Criteria: Invitae Variant Classification Sherloc (09022015). Collection method: clinical testing. Allele origin: germline.
Comment: This sequence change replaces lysine, which is basic and polar, with threonine, which is neutral and polar, at codon 880 of the BCOR protein (p.Lys880Thr). This variant is not present in population databases (gnomAD no frequency). This variant has not been reported in the literature in individuals affected with BCOR-related conditions. An algorithm developed to predict the effect of missense changes on protein structure and function (PolyPhen-2) suggests that this variant is likely to be disruptive. In summary, the available evidence is currently insufficient to determine the role of this variant in disease. Therefore, it has been classified as a Variant of Uncertain Significance.